The following is an entry in ClinVar:

ClinVar aggregate classification (germline): Uncertain significance (1 of 4 stars; one submission).

gnomAD v4.1: 22 of 1,580,008 alleles (0.0014%); highest among the groups gnomAD compares: Admixed American, 0.0018%; no homozygotes.

Submission:

GeneDx
Classification: Uncertain significance. Last evaluated: 2024-10-16. Review status: criteria provided, single submitter. Criteria: GeneDx Variant Classification Process June 2021. Collection method: clinical testing. Allele origin: germline. Affected: yes.
Comment: Not observed at significant frequency in large population cohorts (gnomAD); In silico analysis indicates that this missense variant does not alter protein structure/function; Has not been previously published as pathogenic or benign to our knowledge

NM_001606.5(ABCA2):c.7193C>T (p.Thr2398Met)

Gene: ABCA2 (ATP binding cassette subfamily A member 2; minus strand). Cytogenetic location: 9q34.3.
Variant type: single nucleotide variant.
Coding change: c.7193C>T on transcript NM_001606.5 (MANE Select); coding-DNA position 7193, C replaced by T.
Protein change: p.Thr2398Met; replaces threonine 2398 with methionine.
Molecular consequence: missense variant.
Genome position (GRCh38, 1-based): chr9:137,008,498, G>A on the plus strand (C>T on the coding strand, the complement: ABCA2 is on the minus strand). VCF-style: chr9-137008498-G-A. GRCh37 (hg19) VCF-style: chr9-139902950-G-A.
Other names: c.7190C>T, p.Thr2397Met (NM_001411042.1); c.7283C>T, p.Thr2428Met (NM_212533.3); short protein forms T2397M, T2398M, T2428M.
Identifiers: ClinVar variation 3781010 (VCV003781010.1).